The following is an entry in ClinVar:

NM_014991.6(WDFY3):c.10475C>G (p.Ser3492Cys)

Gene: WDFY3 (WD repeat and FYVE domain containing 3; minus strand). Cytogenetic location: 4q21.23.
Variant type: single nucleotide variant.
Coding change: c.10475C>G on transcript NM_014991.6 (MANE Select); coding-DNA position 10475, C replaced by G.
Protein change: p.Ser3492Cys; replaces serine 3492 with cysteine.
Molecular consequence: missense variant.
Genome position (GRCh38, 1-based): chr4:84,672,974, G>C on the plus strand (C>G on the coding strand, the complement: WDFY3 is on the minus strand). VCF-style: chr4-84672974-G-C. GRCh37 (hg19) VCF-style: chr4-85594127-G-C.
Other names: short protein forms S3492C.
Identifiers: ClinVar variation 1326489 (VCV001326489.2), dbSNP rs1465257801, ClinGen allele CA357264462.

ClinVar aggregate classification (germline): Uncertain significance (1 of 4 stars; one submission).

Allele frequency attached by ClinVar (database versions not stated): gnomAD exomes below 0.00001 and 0.00001.
gnomAD v4.1: 13 of 1,597,480 alleles (0.00081%); highest among the groups gnomAD compares: Admixed American, 0.0017%; no homozygotes.

Submission:

GeneDx
Classification: Uncertain significance. Last evaluated: 2021-05-27. Review status: criteria provided, single submitter. Criteria: GeneDx Variant Classification Process June 2021. Collection method: clinical testing. Allele origin: germline. Affected: yes.
Comment: In silico analysis supports that this missense variant has a deleterious effect on protein structure/function; Has not been previously published as pathogenic or benign to our knowledge; This variant is associated with the following publications: (PMID: 27535533)